The following is an entry in ClinVar:

ClinVar aggregate classification (germline): Pathogenic (1 of 4 stars; one submission).

Conditions:
Epilepsy, familial focal, with variable foci 3 (FFEVF3). Identifiers: MedGen C4310708, MONDO:0014925, OMIM 617118.

Submission:

Labcorp Genetics (formerly Invitae), Labcorp
Classification: Pathogenic for Epilepsy, familial focal, with variable foci 3. Last evaluated: 2024-12-24. Review status: criteria provided, single submitter. Criteria: Invitae Variant Classification Sherloc (09022015). Collection method: clinical testing. Allele origin: germline.
Comment: This sequence change creates a premature translational stop signal (p.Glu166Profs*3) in the NPRL3 gene. It is expected to result in an absent or disrupted protein product. Loss-of-function variants in NPRL3 are known to be pathogenic (PMID: 26285051, 26505888). This variant is not present in population databases (gnomAD no frequency). This variant has not been reported in the literature in individuals affected with NPRL3-related conditions. For these reasons, this variant has been classified as Pathogenic.

Literature cited by the submitters: PubMed 26285051; PubMed 26505888.

NM_001077350.3(NPRL3):c.496_499del (p.Glu166fs)

Genes: HBA-LCR (alpha-globin locus control region; plus strand), NPRL3 (NPR3 like, GATOR1 complex subunit; minus strand). Cytogenetic location: 16p13.3.
Variant type: Deletion.
Coding change: c.496_499del on transcript NM_001077350.3 (MANE Select); coding-DNA positions 496 to 499, 4 bases deleted (GAGG; older notation c.496_499delGAGG).
Protein change: p.Glu166fs; shifts the reading frame from glutamic acid 166.
Molecular consequence: frameshift variant. On other transcripts: 5 prime UTR variant (1).
Genome position (GRCh38, 1-based): chr16:112,670-112,673, CCTC deleted on the plus strand (GAGG on the coding strand, the reverse complement: NPRL3 is on the minus strand); deleting any 4 consecutive bases within chr16:112,670-112,675 gives the same sequence; the c. name uses the placement nearest the transcript's 3' end. VCF-style (leftmost placement, unchanged base first): chr16-112669-GCCTC-G. GRCh37 (hg19) VCF-style: chr16-162668-GCCTC-G.
Other names: c.-42_-39del (NM_001039476.3); c.262_265del, p.Glu88fs (NM_001243247.2); c.421_424del, p.Glu141fs (NM_001243248.2, NM_001243249.2); short protein forms E141fs, E166fs, E88fs.
Identifiers: ClinVar variation 3727966 (VCV003727966.2).